The following is an entry in ClinVar:

NM_001368809.2(AMPD2):c.929C>T (p.Ala310Val)

Gene: AMPD2 (adenosine monophosphate deaminase 2; plus strand). Cytogenetic location: 1p13.3.
Variant type: single nucleotide variant.
Coding change: c.929C>T on transcript NM_001368809.2 (MANE Select); coding-DNA position 929, C replaced by T.
Protein change: p.Ala310Val; replaces alanine 310 with valine.
Molecular consequence: missense variant.
Genome position (GRCh38, 1-based): chr1:109,627,497, C>T. VCF-style: chr1-109627497-C-T. GRCh37 (hg19) VCF-style: chr1-110170119-C-T.
Other names: c.1091C>T (NM_001257360.1); c.737C>T, p.Ala246Val (NM_001257361.2); c.866C>T, p.Ala289Val (NM_001308170.1); c.929C>T, p.Ala310Val (NM_004037.9); c.848C>T, p.Ala283Val (NM_139156.4); short protein forms A283V, A246V, A289V, A310V.
Identifiers: ClinVar variation 1506663 (VCV001506663.5), dbSNP rs771408289, ClinGen allele CA992968.

ClinVar aggregate classification (germline): Uncertain significance. Review status: criteria provided, multiple submitters, no conflicts (2 of 4 stars). 2 submissions from 2 submitters: Uncertain significance (2). Last evaluated 2024-11-11.

Conditions:
Hereditary spastic paraplegia 63. Also called: Spastic paraplegia 63, autosomal recessive. Identifiers: Orphanet 401805, MedGen C3810295, MONDO:0014305, OMIM 615686.
Pontocerebellar hypoplasia type 9. Identifiers: Orphanet 369920, MedGen C4014354, MONDO:0014351, OMIM 615809.

Allele frequency attached by ClinVar (database versions not stated): gnomAD exomes below 0.00001; TOPMed below 0.00001; ExAC 0.00001; gnomAD 0.00001.
gnomAD v4.1: 6 of 1,613,918 alleles (0.00037%); highest among the groups gnomAD compares: Non-Finnish European, 0.00042%; no homozygotes.

Submissions (2):

Labcorp Genetics (formerly Invitae), Labcorp
Classification: Uncertain significance for Pontocerebellar hypoplasia type 9; Hereditary spastic paraplegia 63. Last evaluated: 2024-11-11. Review status: criteria provided, single submitter. Criteria: Invitae Variant Classification Sherloc (09022015). Collection method: clinical testing. Allele origin: germline.
Comment: This sequence change replaces alanine, which is neutral and non-polar, with valine, which is neutral and non-polar, at codon 364 of the AMPD2 protein (p.Ala364Val). This variant is present in population databases (rs771408289, gnomAD 0.0009%). This variant has not been reported in the literature in individuals affected with AMPD2-related conditions. ClinVar contains an entry for this variant (Variation ID: 1506663). An algorithm developed to predict the effect of missense changes on protein structure and function (PolyPhen-2) suggests that this variant is likely to be disruptive. In summary, the available evidence is currently insufficient to determine the role of this variant in disease. Therefore, it has been classified as a Variant of Uncertain Significance.

GeneDx
Classification: Uncertain significance. Last evaluated: 2023-05-11. Review status: criteria provided, single submitter. Criteria: GeneDx Variant Classification Process June 2021. Collection method: clinical testing. Allele origin: germline. Affected: yes.
Comment: Not observed at significant frequency in large population cohorts (gnomAD); In silico analysis supports that this missense variant has a deleterious effect on protein structure/function; Has not been previously published as pathogenic or benign to our knowledge